The following is an entry in ClinVar:

NM_001006658.3(CR2):c.74C>G (p.Ser25Cys)

Gene: CR2 (complement C3d receptor 2; plus strand). Cytogenetic location: 1q32.2.
Variant type: single nucleotide variant.
Coding change: c.74C>G on transcript NM_001006658.3 (MANE Select); coding-DNA position 74, C replaced by G.
Protein change: p.Ser25Cys; replaces serine 25 with cysteine.
Molecular consequence: missense variant.
Genome position (GRCh38, 1-based): chr1:207,466,541, C>G. VCF-style: chr1-207466541-C-G. GRCh37 (hg19) VCF-style: chr1-207639886-C-G.
Other names: c.74C>G, p.Ser25Cys (NM_001877.5); short protein forms S25C.
Identifiers: ClinVar variation 1051041 (VCV001051041.9), dbSNP rs1437268469, ClinGen allele CA344522073.
Genomic context (GRCh38, chr1:207,466,541, plus strand): 5'-TCACCATGATCAGTATGCCTACCAAGTTCCTTTTCTACTTTTCAGGGATTTCTTGTGGCT[C>G]TCCTCCGCCTATCCTAAATGGCCGGATTAGTTATTATTCTACCCCCATTGCTGTTGGTAC-3'
Protein context (NP_001006659.1, residues 15-35): APGVLGISCG[Ser25Cys]PPPILNGRIS

ClinVar aggregate classification (germline): Uncertain significance (1 of 4 stars; one submission).

Conditions:
Immunodeficiency, common variable, 7. Identifiers: Orphanet 1572, Orphanet 696894, MedGen C3542922, MONDO:0013862, OMIM 614699.

Allele frequency attached by ClinVar (database versions not stated): gnomAD exomes below 0.00001; TOPMed 0.00001; gnomAD 0.00001.
gnomAD v4.1: 5 of 1,613,886 alleles (0.00031%); highest among the groups gnomAD compares: South Asian, 0.0011%; no homozygotes.

Submission:

Labcorp Genetics (formerly Invitae), Labcorp
Classification: Uncertain significance for Immunodeficiency, common variable, 7. Last evaluated: 2023-10-13. Review status: criteria provided, single submitter. Criteria: Invitae Variant Classification Sherloc (09022015). Collection method: clinical testing. Allele origin: germline.
Comment: This sequence change replaces serine, which is neutral and polar, with cysteine, which is neutral and slightly polar, at codon 25 of the CR2 protein (p.Ser25Cys). This variant is present in population databases (no rsID available, gnomAD 0.003%). This variant has not been reported in the literature in individuals affected with CR2-related conditions. ClinVar contains an entry for this variant (Variation ID: 1051041). An algorithm developed to predict the effect of missense changes on protein structure and function (PolyPhen-2) suggests that this variant is likely to be disruptive. In summary, the available evidence is currently insufficient to determine the role of this variant in disease. Therefore, it has been classified as a Variant of Uncertain Significance.